The following continues an entry in ClinVar:

NM_000093.5(COL5A1):c.4122G>A (p.Thr1374=)

Gene: COL5A1. ClinVar aggregate classification (germline): Benign/Likely benign. Benign (11); Likely benign (1).

Submissions 29 to 46 of 46:

Dr. Peter K. Rogan Lab, Western University
No classification provided (evidence only). Condition: Uterine carcinosarcoma. Review status: no classification provided. Collection method: in vitro. Allele origin: not applicable. Functional consequence: skipped exon, retained intron. Not counted in ClinVar's aggregate classification.

Dr. Peter K. Rogan Lab, Western University
No classification provided (evidence only). Condition: Uterine carcinosarcoma. Review status: no classification provided. Collection method: in vitro. Allele origin: not applicable. Functional consequence: skipped exon. Not counted in ClinVar's aggregate classification.

Dr. Peter K. Rogan Lab, Western University
No classification provided (evidence only). Condition: Uveal melanoma. Review status: no classification provided. Collection method: in vitro. Allele origin: not applicable. Functional consequence: skipped exon. Not counted in ClinVar's aggregate classification.

Dr. Peter K. Rogan Lab, Western University
No classification provided (evidence only). Condition: Hepatocellular carcinoma. Review status: no classification provided. Collection method: in vitro. Allele origin: not applicable. Functional consequence: retained intron. Not counted in ClinVar's aggregate classification.

Dr. Peter K. Rogan Lab, Western University
No classification provided (evidence only). Condition: Hepatocellular carcinoma. Review status: no classification provided. Collection method: in vitro. Allele origin: not applicable. Functional consequence: retained intron. Not counted in ClinVar's aggregate classification.

Dr. Peter K. Rogan Lab, Western University
No classification provided (evidence only). Condition: Hepatocellular carcinoma. Review status: no classification provided. Collection method: in vitro. Allele origin: not applicable. Functional consequence: retained intron. Not counted in ClinVar's aggregate classification.

Dr. Peter K. Rogan Lab, Western University
No classification provided (evidence only). Condition: Hepatocellular carcinoma. Review status: no classification provided. Collection method: in vitro. Allele origin: not applicable. Functional consequence: retained intron. Not counted in ClinVar's aggregate classification.

Dr. Peter K. Rogan Lab, Western University
No classification provided (evidence only). Condition: Hepatocellular carcinoma. Review status: no classification provided. Collection method: in vitro. Allele origin: not applicable. Functional consequence: retained intron. Not counted in ClinVar's aggregate classification.

Dr. Peter K. Rogan Lab, Western University
No classification provided (evidence only). Condition: Ovarian cancer. Review status: no classification provided. Collection method: in vitro. Allele origin: not applicable. Functional consequence: retained intron. Not counted in ClinVar's aggregate classification.

Dr. Peter K. Rogan Lab, Western University
No classification provided (evidence only). Condition: Ovarian cancer. Review status: no classification provided. Collection method: in vitro. Allele origin: not applicable. Functional consequence: retained intron. Not counted in ClinVar's aggregate classification.

Dr. Peter K. Rogan Lab, Western University
No classification provided (evidence only). Condition: Ovarian cancer. Review status: no classification provided. Collection method: in vitro. Allele origin: not applicable. Functional consequence: skipped exon, retained intron. Not counted in ClinVar's aggregate classification.

Dr. Peter K. Rogan Lab, Western University
No classification provided (evidence only). Condition: Ovarian cancer. Review status: no classification provided. Collection method: in vitro. Allele origin: not applicable. Functional consequence: skipped exon, retained intron. Not counted in ClinVar's aggregate classification.

Dr. Peter K. Rogan Lab, Western University
No classification provided (evidence only). Condition: Ovarian cancer. Review status: no classification provided. Collection method: in vitro. Allele origin: not applicable. Functional consequence: skipped exon. Not counted in ClinVar's aggregate classification.

Dr. Peter K. Rogan Lab, Western University
No classification provided (evidence only). Condition: Ovarian cancer. Review status: no classification provided. Collection method: in vitro. Allele origin: not applicable. Functional consequence: skipped exon. Not counted in ClinVar's aggregate classification.

Dr. Peter K. Rogan Lab, Western University
No classification provided (evidence only). Condition: Ovarian cancer. Review status: no classification provided. Collection method: in vitro. Allele origin: not applicable. Functional consequence: skipped exon. Not counted in ClinVar's aggregate classification.

Dr. Peter K. Rogan Lab, Western University
No classification provided (evidence only). Condition: Ovarian cancer. Review status: no classification provided. Collection method: in vitro. Allele origin: not applicable. Functional consequence: skipped exon. Not counted in ClinVar's aggregate classification.

Dr. Peter K. Rogan Lab, Western University
No classification provided (evidence only). Condition: Ovarian cancer. Review status: no classification provided. Collection method: in vitro. Allele origin: not applicable. Functional consequence: retained intron. Not counted in ClinVar's aggregate classification.

Genome Diagnostics Laboratory, Amsterdam University Medical Center
Classification: Benign. Review status: no assertion criteria provided. Collection method: clinical testing. Allele origin: germline. Affected: yes. Study: VKGL Data-share Consensus. Not counted in ClinVar's aggregate classification.

Literature cited by the submitters: PubMed 19019335 (cited by Women's Health and Genetics/Laboratory Corporation of America, LabCorp); PubMed 22696272 (cited by Women's Health and Genetics/Laboratory Corporation of America, LabCorp).